The following is an entry in ClinVar:

ClinVar aggregate classification (germline): Conflicting classifications of pathogenicity. Review status: criteria provided, conflicting classifications (1 of 4 stars). 7 submissions from 7 submitters: Uncertain significance (6); Likely benign (1). Last evaluated 2025-12-14.

Conditions:
Breast-ovarian cancer, familial, susceptibility to, 1 (BROVCA1). Also called: BRCA1 Hereditary Breast and Ovarian Cancer; OVARIAN CANCER, SUSCEPTIBILITY TO. Identifiers: Orphanet 145, MedGen C2676676, MONDO:0011450, OMIM 604370. Disease mechanism: loss of function.
Hereditary breast ovarian cancer syndrome. Also called: Breast and ovarian cancer; Hereditary breast and ovarian cancer; Hereditary breast and ovarian cancer syndrome; Hereditary breast and/or ovarian cancer syndrome; BRCA1- and BRCA2-Associated Hereditary Breast and Ovarian Cancer; Hereditary breast and ovarian cancer syndrome (HBOC). Identifiers: Orphanet 145, MedGen C0677776, MeSH D061325, MONDO:0003582. Disease mechanism: loss of function.
Hereditary cancer-predisposing syndrome. Also called: Tumor predisposition; Hereditary Cancer Syndrome; Neoplastic Syndromes, Hereditary; Hereditary neoplastic syndrome. Identifiers: Orphanet 140162, MedGen C0027672, MeSH D009386, MONDO:0015356.

Allele frequency attached by ClinVar (database versions not stated): gnomAD exomes below 0.00001; TOPMed below 0.00001.
gnomAD v4.1: 5 of 1,614,098 alleles (0.00031%); highest among the groups gnomAD compares: South Asian, 0.0011%; no homozygotes.

Submissions (7):

Labcorp Genetics (formerly Invitae), Labcorp
Classification: Uncertain significance for Hereditary breast ovarian cancer syndrome. Last evaluated: 2025-12-14. Review status: criteria provided, single submitter. Criteria: Invitae Variant Classification Sherloc (09022015). Collection method: clinical testing. Allele origin: germline.
Comment: This sequence change replaces tyrosine, which is neutral and polar, with cysteine, which is neutral and slightly polar, at codon 978 of the BRCA1 protein (p.Tyr978Cys). This variant is present in population databases (no rsID available, gnomAD 0.01%). This variant has not been reported in the literature in individuals affected with BRCA1-related conditions. ClinVar contains an entry for this variant (Variation ID: 216659). Invitae Evidence Modeling of protein sequence and biophysical properties (such as structural, functional, and spatial information, amino acid conservation, physicochemical variation, residue mobility, and thermodynamic stability) indicates that this missense variant is not expected to disrupt BRCA1 protein function with a negative predictive value of 80%. In summary, the available evidence is currently insufficient to determine the role of this variant in disease. Therefore, it has been classified as a Variant of Uncertain Significance.

Ambry Genetics
Classification: Uncertain significance for Hereditary cancer-predisposing syndrome. Last evaluated: 2025-06-24. Review status: criteria provided, single submitter. Criteria: Ambry Variant Classification Scheme 2023. Collection method: clinical testing. Allele origin: germline.
Comment: The p.Y978C variant (also known as c.2933A>G), located in coding exon 9 of the BRCA1 gene, results from an A to G substitution at nucleotide position 2933. The tyrosine at codon 978 is replaced by cysteine, an amino acid with highly dissimilar properties. This amino acid position is not well conserved in available vertebrate species. In addition, the in silico prediction for this alteration is inconclusive. Based on the available evidence, the clinical significance of this variant remains unclear.

All of Us Research Program, National Institutes of Health
Classification: Uncertain significance for Breast-ovarian cancer, familial, susceptibility to, 1. Last evaluated: 2023-06-28. Review status: criteria provided, single submitter. Criteria: ACMG Guidelines, 2015. Collection method: clinical testing. Allele origin: germline. Inheritance: Autosomal dominant inheritance. Observed: 1 variant allele, 1 heterozygote.
Comment: This study involves interpretation of variants in research participants for the purpose of population health screening. Participant phenotype was not available at the time of variant classification. Additional details can be found in publication PMID: 35346344, PMCID: PMC8962531

University of Washington Department of Laboratory Medicine, University of Washington
Classification: Likely benign for Hereditary cancer-predisposing syndrome. Last evaluated: 2023-03-23. Review status: criteria provided, single submitter. Criteria: Dines et al. (Genet Med. 2020). Collection method: curation. Allele origin: germline.
Comment: Missense variant in a coldspot region where missense variants are very unlikely to be pathogenic (PMID:31911673).

BRCA1 coldspot (exon 11 using historical exon numbering). Reclassification based on statistical prior probability

Color Diagnostics, LLC DBA Color Health
Classification: Uncertain significance for Hereditary cancer-predisposing syndrome. Last evaluated: 2019-05-11. Review status: criteria provided, single submitter. Criteria: ACMG Guidelines, 2015. Collection method: clinical testing. Allele origin: germline.

Illumina Laboratory Services, Illumina
Classification: Uncertain significance for Breast-ovarian cancer, familial, susceptibility to, 1. Last evaluated: 2018-01-12. Review status: criteria provided, single submitter. Criteria: ICSL Variant Classification Criteria 13 December 2019. Collection method: clinical testing. Allele origin: germline.

Women's Health and Genetics/Laboratory Corporation of America, LabCorp
Classification: Uncertain significance. Last evaluated: 2017-09-18. Review status: criteria provided, single submitter. Criteria: LabCorp Variant Classification Summary - May 2015. Collection method: clinical testing. Allele origin: germline.
Comment: Variant summary: The BRCA1 c.2933A>G (p.Tyr978Cys) variant involves the alteration of a non-conserved nucleotide. 3/5 in silico tools predict a benign outcome for this variant. This variant is absent in 121118 control chromosomes. In addition, one clinical diagnostic laboratory classified this variant as uncertain significance. The variant of interest has not, to our knowledge, been reported in affected individuals via publications nor evaluated for functional impact by in vivo/vitro studies. Because of the absence of clinical information and the lack of functional studies, the variant is classified as a variant of uncertain significance (VUS) until additional information becomes available.

NM_007294.4(BRCA1):c.2933A>G (p.Tyr978Cys)

Gene: BRCA1 (BRCA1 DNA repair associated; minus strand). Cytogenetic location: 17q21.31.
Variant type: single nucleotide variant.
Coding change: c.2933A>G on transcript NM_007294.4 (MANE Select); coding-DNA position 2933, A replaced by G.
Protein change: p.Tyr978Cys; replaces tyrosine 978 with cysteine.
Molecular consequence: missense variant. On other transcripts: intron variant (137).
Genome position (GRCh38, 1-based): chr17:43,092,598, T>C on the plus strand (A>G on the coding strand, the complement: BRCA1 is on the minus strand). VCF-style: chr17-43092598-T-C. GRCh37 (hg19) VCF-style: chr17-41244615-T-C.
Other names: c.2810A>G, p.Tyr937Cys (NM_001407666.1, NM_001407667.1, NM_001407678.1 and 19 more transcripts); c.2933A>G, p.Tyr978Cys (NM_001407684.1, NM_001407854.1, NM_001407858.1 and 30 more transcripts); c.2807A>G, p.Tyr936Cys (NM_001407685.1, NM_001407686.1, NM_001407940.1 and 11 more transcripts); c.2792A>G, p.Tyr931Cys (NM_001407698.1, NM_001407724.1, NM_001407725.1 and 29 more transcripts); c.2789A>G, p.Tyr930Cys (NM_001407742.1, NM_001407743.1, NM_001407744.1 and 20 more transcripts); c.2720A>G, p.Tyr907Cys (NM_001407853.1, NM_001407894.1, NM_001407895.1 and 9 more transcripts); c.2723A>G, p.Tyr908Cys (NM_001407884.1, NM_001407885.1, NM_001407886.1 and 13 more transcripts); c.2669A>G, p.Tyr890Cys (NM_001407920.1, NM_001407921.1, NM_001407922.1 and 9 more transcripts); and 41 more; short protein forms Y978C, Y931C, Y810C, Y908C, Y936C, Y851C, Y866C, Y890C.
Identifiers: ClinVar variation 216659 (VCV000216659.25), dbSNP rs863224756, ClinGen allele CA339108.